The following is an entry in ClinVar:

ClinVar aggregate classification (germline): Uncertain significance (1 of 4 stars; one submission).

Conditions:
Inborn genetic diseases. Identifiers: MedGen C0950123, MeSH D030342.

Submission:

Ambry Genetics
Classification: Uncertain significance for Inborn genetic diseases. Last evaluated: 2025-08-25. Review status: criteria provided, single submitter. Criteria: Ambry Variant Classification Scheme 2023. Collection method: clinical testing. Allele origin: germline.
Comment: The p.N1212S variant (also known as c.3635A>G), located in coding exon 24 of the ANKRD26 gene, results from an A to G substitution at nucleotide position 3635. The asparagine at codon 1212 is replaced by serine, an amino acid with highly similar properties. This amino acid position is conserved. In addition, this alteration is predicted to be tolerated by in silico analysis. Based on the available evidence, the clinical significance of this variant remains unclear.

NM_014915.3(ANKRD26):c.3635A>G (p.Asn1212Ser)

Gene: ANKRD26 (ankyrin repeat domain containing 26; minus strand). Cytogenetic location: 10p12.1.
Variant type: single nucleotide variant.
Coding change: c.3635A>G on transcript NM_014915.3 (MANE Select); coding-DNA position 3635, A replaced by G.
Protein change: p.Asn1212Ser; replaces asparagine 1212 with serine.
Molecular consequence: missense variant.
Genome position (GRCh38, 1-based): chr10:27,034,815, T>C on the plus strand (A>G on the coding strand, the complement: ANKRD26 is on the minus strand). VCF-style: chr10-27034815-T-C. GRCh37 (hg19) VCF-style: chr10-27323744-T-C.
Other names: c.3632A>G, p.Asn1211Ser (NM_001256053.2); short protein forms N1212S, N1211S.
Identifiers: ClinVar variation 4104490 (VCV004104490.1).